The following is an entry in ClinVar:

NM_000174.5(GP9):c.438G>A (p.Pro146=)

Gene: GP9 (glycoprotein IX platelet; plus strand). Cytogenetic location: 3q21.3.
Variant type: single nucleotide variant.
Coding change: c.438G>A on transcript NM_000174.5 (MANE Select); coding-DNA position 438, G replaced by A.
Protein change: p.Pro146=; no amino-acid change (proline 146 retained).
Molecular consequence: synonymous variant.
Genome position (GRCh38, 1-based): chr3:129,062,177, G>A. VCF-style: chr3-129062177-G-A. GRCh37 (hg19) VCF-style: chr3-128781020-G-A.
Other names: c.438G>A (NM_000174.4).
Identifiers: ClinVar variation 343221 (VCV000343221.7), dbSNP rs767278544, ClinGen allele CA2602715.
Genomic context (GRCh38, chr3:129,062,177, plus strand): 5'-GCTGACAGGCTACCAGCTGGGCAGCTGTGGCTGGCAGCTGCAGGCGTCCTGGGTGCGCCC[G>A]GGGGTCTTGTGGGACGTGGCGCTGGTCGCCGTGGCCGCGCTGGGCCTGGCTCTTCTGGCT-3'
Protein context (NP_000165.1, residues 136-156): GWQLQASWVR[Pro146=]GVLWDVALVA

ClinVar aggregate classification (germline): Conflicting classifications of pathogenicity. Review status: criteria provided, conflicting classifications (1 of 4 stars). 3 submissions from 3 submitters: Uncertain significance (1); Likely benign (2). Last evaluated 2025-09-04.

Conditions:
Bernard Soulier syndrome (BSS). Also called: BLEEDING DISORDER, PLATELET-TYPE, 1; VON WILLEBRAND FACTOR RECEPTOR DEFICIENCY; GLYCOPROTEIN Ib, PLATELET, DEFICIENCY OF; PLATELET GLYCOPROTEIN Ib DEFICIENCY; Platelet Glycoprotein 1b, Deficiency of; Giant platelet syndrome. Identifiers: Orphanet 274, MedGen C0005129, MeSH D001606, MONDO:0009276, OMIM 231200.
GP9-related disorder. Also called: GP9-related condition.

Allele frequency attached by ClinVar (database versions not stated): ExAC 0.00017; gnomAD 0.00004 and 0.00005; TOPMed 0.00005.
gnomAD v4.1: 46 of 1,575,630 alleles (0.0029%); highest among the groups gnomAD compares: South Asian, 0.027%; no homozygotes.

Submissions (3):

PreventionGenetics, part of Exact Sciences
Classification: Likely benign for GP9-related condition. Last evaluated: 2025-09-04. Review status: criteria provided, single submitter. Criteria: ACMG Guidelines, 2015. Collection method: clinical testing. Allele origin: germline.
Comment: This variant is classified as likely benign based on ACMG/AMP sequence variant interpretation guidelines (Richards et al. 2015 PMID: 25741868, with internal and published modifications).

Labcorp Genetics (formerly Invitae), Labcorp
Classification: Likely benign. Last evaluated: 2025-06-09. Review status: criteria provided, single submitter. Criteria: Invitae Variant Classification Sherloc (09022015). Collection method: clinical testing. Allele origin: germline.

Illumina Laboratory Services, Illumina
Classification: Uncertain significance for Bernard Soulier syndrome. Last evaluated: 2018-01-13. Review status: criteria provided, single submitter. Criteria: ICSL Variant Classification Criteria 13 December 2019. Collection method: clinical testing. Allele origin: germline.